The following is an entry in ClinVar:

NM_025099.6(CTC1):c.2176del (p.His726fs)

Gene: CTC1 (CST telomere replication complex component 1; minus strand). Cytogenetic location: 17p13.1.
Variant type: Deletion.
Coding change: c.2176del on transcript NM_025099.6 (MANE Select); coding-DNA position 2176, one base deleted (C; older notation c.2176delC).
Protein change: p.His726fs; shifts the reading frame from histidine 726.
Molecular consequence: frameshift variant. On other transcripts: non-coding transcript variant (1).
Genome position (GRCh38, 1-based): chr17:8,232,112, G deleted on the plus strand (C on the coding strand, the reverse complement: CTC1 is on the minus strand); the first of 4 consecutive G bases (chr17:8,232,112-8,232,115); deleting any one gives the same sequence. VCF-style (leftmost placement, unchanged base first): chr17-8232111-TG-T. GRCh37 (hg19) VCF-style: chr17-8135429-TG-T.
Other names: c.2176del, p.His726fs (NM_001411067.1); short protein forms H726fs.
Identifiers: ClinVar variation 2585520 (VCV002585520.2), dbSNP rs761869951, ClinGen allele CA8372144.

ClinVar aggregate classification (germline): Pathogenic/Likely pathogenic. Review status: criteria provided, multiple submitters, no conflicts (2 of 4 stars). 2 submissions from 2 submitters: Pathogenic (1); Likely pathogenic (1). Last evaluated 2025-06-24.

Conditions:
Cerebroretinal microangiopathy with calcifications and cysts 1 (CRMCC1). Identifiers: Orphanet 313838, MedGen C4552029, MONDO:0024564, OMIM 612199.
Dyskeratosis congenita. Identifiers: Orphanet 1775, MedGen C0265965, MONDO:0015780.

Submissions (2):

Labcorp Genetics (formerly Invitae), Labcorp
Classification: Pathogenic for Dyskeratosis congenita. Last evaluated: 2025-06-24. Review status: criteria provided, single submitter. Criteria: Invitae Variant Classification Sherloc (09022015). Collection method: clinical testing. Allele origin: germline.
Comment: This sequence change creates a premature translational stop signal (p.His726Thrfs*2) in the CTC1 gene. It is expected to result in an absent or disrupted protein product. Loss-of-function variants in CTC1 are known to be pathogenic (PMID: 22267198, 22387016). This variant is not present in population databases (gnomAD no frequency). This variant has not been reported in the literature in individuals affected with CTC1-related conditions. ClinVar contains an entry for this variant (Variation ID: 2585520). For these reasons, this variant has been classified as Pathogenic.

Neuberg Centre For Genomic Medicine, NCGM
Classification: Likely pathogenic for Cerebroretinal microangiopathy with calcifications and cysts 1. Review status: criteria provided, single submitter. Criteria: ACMG Guidelines, 2015. Collection method: clinical testing. Allele origin: germline. Inheritance: Autosomal recessive inheritance. Affected: yes.
Comment: The frame shift c.2176del (p.His726ThrfsTer2) variant has not been reported previously as a pathogenic variant nor as a benign variant, to our knowledge. The p.His726ThrfsTer2 variant is novel (not in any individuals) in 1000 Genomes. This variant has not been reported to the ClinVar database. This variant causes a frameshift starting with codon Histidine 726, changes this amino acid to Threonine residue, and creates a premature Stop codon at position 2 of the new reading frame, denoted p.His726ThrfsTer2. This variant is predicted to cause loss of normal protein function through protein truncation. Loss of function variants have been previously reported to be disease causing. For these reasons, this variant has been classified as Likely Pathogenic.

Literature cited by the submitters: PubMed 22267198 (cited by Labcorp Genetics (formerly Invitae), Labcorp); PubMed 22387016 (cited by Labcorp Genetics (formerly Invitae), Labcorp).